The following is an entry in ClinVar:

NM_001371986.1(UNC80):c.9520C>T (p.Arg3174Ter)

Gene: UNC80 (unc-80 subunit of NALCN channel complex; plus strand). Cytogenetic location: 2q34.
Variant type: single nucleotide variant.
Coding change: c.9520C>T on transcript NM_001371986.1 (MANE Select); coding-DNA position 9520, C replaced by T.
Protein change: p.Arg3174Ter; replaces arginine 3174 with a stop codon.
Molecular consequence: nonsense.
Genome position (GRCh38, 1-based): chr2:209,994,076, C>T. VCF-style: chr2-209994076-C-T. GRCh37 (hg19) VCF-style: chr2-210858800-C-T.
Other names: c.9322C>T, p.Arg3108Ter (NM_032504.2); c.9250C>T, p.Arg3084Ter (NM_182587.4); short protein forms R3174*, R3084*, R3108*.
Identifiers: ClinVar variation 1457938 (VCV001457938.6), dbSNP rs1559456419, ClinGen allele CA350415705.

ClinVar aggregate classification (germline): Pathogenic (1 of 4 stars; one submission).

Allele frequency attached by ClinVar (database versions not stated): gnomAD exomes below 0.00001 and 0.00001; TOPMed 0.00001.
gnomAD v4.1: 3 of 1,550,286 alleles (0.00019%); highest among the groups gnomAD compares: Non-Finnish European, 0.00017%; no homozygotes.

Submission:

Labcorp Genetics (formerly Invitae), Labcorp
Classification: Pathogenic. Last evaluated: 2025-08-29. Review status: criteria provided, single submitter. Criteria: Invitae Variant Classification Sherloc (09022015). Collection method: clinical testing. Allele origin: germline.
Comment: This sequence change creates a premature translational stop signal (p.Arg3108*) in the UNC80 gene. It is expected to result in an absent or disrupted protein product. Loss-of-function variants in UNC80 are known to be pathogenic (PMID: 26545877, 26708751, 26708753). This variant is not present in population databases (gnomAD no frequency). This premature translational stop signal has been observed in individual(s) with UNC80-related conditions (PMID: 28191889). ClinVar contains an entry for this variant (Variation ID: 1457938). For these reasons, this variant has been classified as Pathogenic.

Literature cited by the submitters: PubMed 26545877; PubMed 26708751; PubMed 26708753; PubMed 28191889.